The following is an entry in ClinVar:

ClinVar aggregate classification (germline): Uncertain significance. Review status: criteria provided, multiple submitters, no conflicts (2 of 4 stars). 3 submissions from 3 submitters: Uncertain significance (3). Last evaluated 2025-08-09.

Conditions:
Inborn genetic diseases. Identifiers: MedGen C0950123, MeSH D030342.
Bethlem myopathy 1A. Also called: Bethlem myopathy 1; MYOPATHY, BENIGN CONGENITAL, WITH CONTRACTURES; Bethlem Muscular Dystrophy. Identifiers: Orphanet 610, MedGen CN029274, MONDO:0024530, OMIM 158810.

Allele frequency attached by ClinVar (database versions not stated): gnomAD 0.00001; gnomAD exomes 0.00001; TOPMed 0.00001.

Submissions (3):

Ambry Genetics
Classification: Uncertain significance for Inborn genetic diseases. Last evaluated: 2025-08-09. Review status: criteria provided, single submitter. Criteria: Ambry Variant Classification Scheme 2023. Collection method: clinical testing. Allele origin: germline.

Labcorp Genetics (formerly Invitae), Labcorp
Classification: Uncertain significance for Bethlem myopathy 1A. Last evaluated: 2022-06-20. Review status: criteria provided, single submitter. Criteria: Invitae Variant Classification Sherloc (09022015). Collection method: clinical testing. Allele origin: germline.
Comment: In summary, the available evidence is currently insufficient to determine the role of this variant in disease. Therefore, it has been classified as a Variant of Uncertain Significance. Advanced modeling of protein sequence and biophysical properties (such as structural, functional, and spatial information, amino acid conservation, physicochemical variation, residue mobility, and thermodynamic stability) performed at Invitae indicates that this missense variant is not expected to disrupt COL6A1 protein function. ClinVar contains an entry for this variant (Variation ID: 567105). This variant has not been reported in the literature in individuals affected with COL6A1-related conditions. This variant is not present in population databases (gnomAD no frequency). This sequence change replaces proline, which is neutral and non-polar, with threonine, which is neutral and polar, at codon 432 of the COL6A1 protein (p.Pro432Thr).

Revvity Omics, Revvity
Classification: Uncertain significance. Last evaluated: 2021-01-12. Review status: criteria provided, single submitter. Criteria: ACMG Guidelines, 2015. Collection method: clinical testing. Allele origin: germline.

NM_001848.3(COL6A1):c.1294C>A (p.Pro432Thr)

Gene: COL6A1 (collagen type VI alpha 1 chain; plus strand). Cytogenetic location: 21q22.3.
Variant type: single nucleotide variant.
Coding change: c.1294C>A on transcript NM_001848.3 (MANE Select); coding-DNA position 1294, C replaced by A.
Protein change: p.Pro432Thr; replaces proline 432 with threonine.
Molecular consequence: missense variant.
Genome position (GRCh38, 1-based): chr21:45,992,769, C>A. VCF-style: chr21-45992769-C-A. GRCh37 (hg19) VCF-style: chr21-47412683-C-A.
Other names: short protein forms P432T.
Identifiers: ClinVar variation 567105 (VCV000567105.12), dbSNP rs1436272876, ClinGen allele CA410525976.